The following is an entry in ClinVar:

NM_024334.3(TMEM43):c.13-1G>A

Gene: TMEM43 (transmembrane protein 43; plus strand). Cytogenetic location: 3p25.1.
Variant type: single nucleotide variant.
Coding change: c.13-1G>A on transcript NM_024334.3 (MANE Select); the canonical splice acceptor site of the intron before coding-DNA position 13, G replaced by A.
Molecular consequence: splice acceptor variant. On other transcripts: intron variant (1).
Genome position (GRCh38, 1-based): chr3:14,129,411, G>A. VCF-style: chr3-14129411-G-A. GRCh37 (hg19) VCF-style: chr3-14170911-G-A.
Other names: c.13-1G>A (NM_001407274.1, NM_001407276.1, NM_001407275.1 and 3 more transcripts); c.13-1411G>A (NM_001407280.1).
Identifiers: ClinVar variation 5040739 (VCV005040739.1).

ClinVar aggregate classification (germline): Uncertain significance (1 of 4 stars; one submission).

Submission:

CeGaT Center for Human Genetics Tuebingen
Classification: Uncertain significance. Last evaluated: 2026-08-01. Review status: criteria provided, single submitter. Criteria: CeGaT Center For Human Genetics Tuebingen Variant Classification Criteria Version 2. Collection method: clinical testing. Allele origin: germline. Affected: yes. Observed: 1 variant allele.
Comment: TMEM43: PM2, PVS1:Moderate